The following is an entry in ClinVar:

ClinVar aggregate classification (germline): Uncertain significance (1 of 4 stars; one submission).

Submission:

GeneDx
Classification: Uncertain significance. Last evaluated: 2026-04-01. Review status: criteria provided, single submitter. Criteria: GeneDx Variant Classification Process June 2021. Collection method: clinical testing. Allele origin: germline.
Comment: Not observed at significant frequency in large population cohorts (gnomAD); In silico analysis suggests that this missense variant does not alter protein structure/function; Has not been previously published as pathogenic or benign to our knowledge

NM_198576.4(AGRN):c.2995G>A (p.Ala999Thr)

Gene: AGRN (agrin; plus strand). Cytogenetic location: 1p36.33.
Variant type: single nucleotide variant.
Coding change: c.2995G>A on transcript NM_198576.4 (MANE Select); coding-DNA position 2995, G replaced by A.
Protein change: p.Ala999Thr; replaces alanine 999 with threonine.
Molecular consequence: missense variant.
Genome position (GRCh38, 1-based): chr1:1,046,480, G>A. VCF-style: chr1-1046480-G-A. GRCh37 (hg19) VCF-style: chr1-981860-G-A.
Other names: c.2995G>A, p.Ala999Thr (NM_001305275.2); c.2680G>A, p.Ala894Thr (NM_001364727.2); short protein forms A894T, A999T.
Identifiers: ClinVar variation 5017270 (VCV005017270.1).